The following is an entry in ClinVar:

ClinVar aggregate classification (germline): Conflicting classifications of pathogenicity. Review status: criteria provided, conflicting classifications (1 of 4 stars). 7 submissions from 6 submitters: Uncertain significance (5); Likely benign (2). Last evaluated 2025-09-13.

Conditions:
Cardiovascular phenotype. Identifiers: MedGen CN230736.
Catecholaminergic polymorphic ventricular tachycardia (CVPT). Also called: Catecholamine-induced polymorphic ventricular tachycardia. Identifiers: Orphanet 3286, MedGen C5574922, MONDO:0017990.
Cardiomyopathy (CMYO). Also called: Cardiomyopathies. Identifiers: Orphanet 167848, MedGen C0878544, MONDO:0004994, HP:0001638. Inheritance: Various modes of inheritance.
Catecholaminergic polymorphic ventricular tachycardia 1. Also called: RYR2-Related Catecholaminergic Polymorphic Ventricular Tachycardia; VENTRICULAR TACHYCARDIA, CATECHOLAMINERGIC POLYMORPHIC, 1, WITH OR WITHOUT ATRIAL DYSFUNCTION AND/OR DILATED CARDIOMYOPATHY; VENTRICULAR TACHYCARDIA, STRESS-INDUCED POLYMORPHIC 1. Identifiers: Orphanet 3286, MedGen C1631597, MONDO:0011484, OMIM 604772.
Arrhythmogenic right ventricular dysplasia 2. Identifiers: MedGen C1832931.

Allele frequency attached by ClinVar (database versions not stated): ExAC 0.00001; gnomAD exomes 0.00001 and 0.00002.

Submissions (7):

Labcorp Genetics (formerly Invitae), Labcorp
Classification: Uncertain significance for Catecholaminergic polymorphic ventricular tachycardia 1. Last evaluated: 2025-09-13. Review status: criteria provided, single submitter. Criteria: Invitae Variant Classification Sherloc (09022015). Collection method: clinical testing. Allele origin: germline.
Comment: This sequence change replaces methionine, which is neutral and non-polar, with valine, which is neutral and non-polar, at codon 1173 of the RYR2 protein (p.Met1173Val). This variant is present in population databases (rs762372863, gnomAD 0.003%). This variant has not been reported in the literature in individuals affected with RYR2-related conditions. ClinVar contains an entry for this variant (Variation ID: 201166). Invitae Evidence Modeling of protein sequence and biophysical properties (such as structural, functional, and spatial information, amino acid conservation, physicochemical variation, residue mobility, and thermodynamic stability) indicates that this missense variant is not expected to disrupt RYR2 protein function with a negative predictive value of 95%. In summary, the available evidence is currently insufficient to determine the role of this variant in disease. Therefore, it has been classified as a Variant of Uncertain Significance.

Color Diagnostics, LLC DBA Color Health
Classification: Likely benign for Cardiomyopathy. Last evaluated: 2025-09-09. Review status: criteria provided, single submitter. Criteria: ACMG Guidelines, 2015. Collection method: clinical testing. Allele origin: germline.

Molecular Diagnostic Laboratory for Inherited Cardiovascular Disease, Montreal Heart Institute
Classification: Uncertain significance for Cardiovascular phenotype. Last evaluated: 2025-04-09. Review status: criteria provided, single submitter. Criteria: ACMG Guidelines, 2015. Collection method: clinical testing. Allele origin: germline. Affected: yes.
Comment: PM2, PP2, PP3

All of Us Research Program, National Institutes of Health
Classification: Uncertain significance for Catecholaminergic polymorphic ventricular tachycardia. Last evaluated: 2023-09-17. Review status: criteria provided, single submitter. Criteria: ACMG Guidelines, 2015. Collection method: clinical testing. Allele origin: germline. Inheritance: Autosomal dominant inheritance. Observed: 1 variant allele, 1 heterozygote.
Comment: This missense variant replaces methionine with valine at codon 1173 of the RYR2 protein.. Computational prediction suggests that this variant may not impact protein structure and function (internally defined REVEL score threshold <= 0.5, PMID: 27666373). To our knowledge, functional studies have not been reported for this variant. This variant has been reported in an individual affected with dilated cardiomyopathy (Posafalvi 2015). This variant has been identified in 3/249110 chromosomes in the general population by the Genome Aggregation Database (gnomAD). The available evidence is insufficient to determine the role of this variant in disease conclusively. Therefore, this variant is classified as a Variant of Uncertain Significance.

This study involves interpretation of variants in research participants for the purpose of population health screening. Participant phenotype was not available at the time of variant classification. Additional details can be found in publication PMID: 35346344, PMCID: PMC8962531

Illumina Laboratory Services, Illumina
Classification: Uncertain significance for Catecholaminergic polymorphic ventricular tachycardia 1. Last evaluated: 2017-04-27. Review status: criteria provided, single submitter. Criteria: ICSL Variant Classification Criteria 13 December 2019. Collection method: clinical testing. Allele origin: germline.

Illumina Laboratory Services, Illumina
Classification: Uncertain significance for Catecholaminergic polymorphic ventricular tachycardia 1. Last evaluated: 2017-04-27. Review status: criteria provided, single submitter. Criteria: ICSL Variant Classification Criteria 13 December 2019. Collection method: clinical testing. Allele origin: germline.

GeneDx
Classification: Likely benign. Last evaluated: 2012-09-11. Review status: criteria provided, single submitter. Criteria: GeneDx Variant Classification (06012015). Collection method: clinical testing. Allele origin: germline. Affected: yes.
Comment: This variant is considered likely benign or benign based on one or more of the following criteria: it is a conservative change, it occurs at a poorly conserved position in the protein, it is predicted to be benign by multiple in silico algorithms, and/or has population frequency not consistent with disease.

NM_001035.3(RYR2):c.3517A>G (p.Met1173Val)

Gene: RYR2 (ryanodine receptor 2; plus strand). Cytogenetic location: 1q43.
Variant type: single nucleotide variant.
Coding change: c.3517A>G on transcript NM_001035.3 (MANE Select); coding-DNA position 3517, A replaced by G.
Protein change: p.Met1173Val; replaces methionine 1173 with valine.
Molecular consequence: missense variant.
Genome position (GRCh38, 1-based): chr1:237,569,238, A>G. VCF-style: chr1-237569238-A-G. GRCh37 (hg19) VCF-style: chr1-237732538-A-G.
Other names: p.M1173V:ATG>GTG; c.3517A>G, p.Met1173Val (LRG_402t1); short protein forms M1173V.
Identifiers: ClinVar variation 201166 (VCV000201166.14), dbSNP rs762372863, ClinGen allele CA009247.
Genomic context (GRCh38, chr1:237,569,238, plus strand): 5'-GGGCGCTCTTGGCAAGCAGGCGATGTCGTGGGGTGTATGGTTGACATGAACGAACACACC[A>G]TGATGTTCACACTGAATGGTGAAATCCTTCTTGATGATTCAGGCTCAGAACTGGCTTTCA-3'
Protein context (NP_001026.2, residues 1163-1183): GCMVDMNEHT[Met1173Val]MFTLNGEILL